The following is an entry in ClinVar:

ClinVar aggregate classification (germline): Benign (1 of 4 stars; one submission).

Allele frequency attached by ClinVar (database versions not stated): gnomAD 0.78264 and 0.79314; TOPMed 0.78298; 1000 Genomes Project 30x 0.79966; 1000 Genomes Project 0.80811.
gnomAD v4.1: 120,857 of 152,158 alleles (79%); highest among the groups gnomAD compares: East Asian, 97%; 50,183 homozygotes.

Submission:

GeneDx
Classification: Benign. Last evaluated: 2018-06-18. Review status: criteria provided, single submitter. Criteria: GeneDx Variant Classification (06012015). Collection method: clinical testing. Allele origin: germline. Affected: yes.
Comment: This variant is considered likely benign or benign based on one or more of the following criteria: it is a conservative change, it occurs at a poorly conserved position in the protein, it is predicted to be benign by multiple in silico algorithms, and/or has population frequency not consistent with disease.

NM_000334.4(SCN4A):c.1452+270C>A

Gene: SCN4A (sodium voltage-gated channel alpha subunit 4; minus strand). Cytogenetic location: 17q23.3.
Variant type: single nucleotide variant.
Coding change: c.1452+270C>A on transcript NM_000334.4 (MANE Select); 270 bases into the intron after coding-DNA position 1452, C replaced by A.
Molecular consequence: intron variant.
Genome position (GRCh38, 1-based): chr17:63,964,198, G>T on the plus strand (C>A on the coding strand, the complement: SCN4A is on the minus strand). VCF-style: chr17-63964198-G-T. GRCh37 (hg19) VCF-style: chr17-62041558-G-T.
Identifiers: ClinVar variation 684257 (VCV000684257.1), dbSNP rs917557, ClinGen allele CA16543262.
Genomic context (GRCh38, chr17:63,964,198, plus strand): 5'-CAGTATGGACCTATCCACTACCCAGAAAGCATCACAAAATCAGAAATATTTGAGCTGGAA[G>T]AATACTTCAGGTTTAGCTACTCCAGATTCCTTGTTATAGACAGGGAAACTGAGGCACAGA-3'